The following is an entry in ClinVar:

ClinVar aggregate classification (germline): Uncertain significance. Review status: criteria provided, multiple submitters, no conflicts (2 of 4 stars). 2 submissions from 2 submitters: Uncertain significance (2). Last evaluated 2025-03-04.

Conditions:
Combined immunodeficiency due to LRBA deficiency. Also called: Common variable immunodeficiency 8, with autoimmunity. Identifiers: Orphanet 445018, MedGen C3553512, MONDO:0013863, OMIM 614700.

Allele frequency attached by ClinVar (database versions not stated): TOPMed below 0.00001; gnomAD exomes 0.00003; ExAC 0.00004.
gnomAD v4.1: 2 of 1,613,726 alleles (0.00012%); highest among the groups gnomAD compares: East Asian, 0.0045%; no homozygotes.

Submissions (2):

Mayo Clinic Laboratories, Mayo Clinic
Classification: Uncertain significance. Last evaluated: 2025-03-04. Review status: criteria provided, single submitter. Criteria: ACMG Guidelines, 2015. Collection method: clinical testing. Allele origin: germline. Observed: 1 variant allele.
Comment: BP4_moderate

Labcorp Genetics (formerly Invitae), Labcorp
Classification: Uncertain significance for Combined immunodeficiency due to LRBA deficiency. Last evaluated: 2021-08-31. Review status: criteria provided, single submitter. Criteria: Invitae Variant Classification Sherloc (09022015). Collection method: clinical testing. Allele origin: germline.
Comment: This sequence change replaces glycine with alanine at codon 30 of the LRBA protein (p.Gly30Ala). The glycine residue is weakly conserved and there is a small physicochemical difference between glycine and alanine. This variant is present in population databases (rs754377116, ExAC 0.06%). This variant has not been reported in the literature in individuals affected with LRBA-related conditions. Algorithms developed to predict the effect of missense changes on protein structure and function output the following: SIFT: "Tolerated"; PolyPhen-2: "Benign"; Align-GVGD: "Class C0". The alanine amino acid residue is found in multiple mammalian species, which suggests that this missense change does not adversely affect protein function. In summary, the available evidence is currently insufficient to determine the role of this variant in disease. Therefore, it has been classified as a Variant of Uncertain Significance.

NM_001364905.1(LRBA):c.89G>C (p.Gly30Ala)

Gene: LRBA (LPS responsive beige-like anchor protein; minus strand). Cytogenetic location: 4q31.3.
Variant type: single nucleotide variant.
Coding change: c.89G>C on transcript NM_001364905.1 (MANE Select); coding-DNA position 89, G replaced by C.
Protein change: p.Gly30Ala; replaces glycine 30 with alanine.
Molecular consequence: missense variant.
Genome position (GRCh38, 1-based): chr4:151,014,554, C>G on the plus strand (G>C on the coding strand, the complement: LRBA is on the minus strand). VCF-style: chr4-151014554-C-G. GRCh37 (hg19) VCF-style: chr4-151935706-C-G.
Other names: p.Gly30Ala; c.89G>C, p.Gly30Ala (NM_001199282.3, NM_001367550.1, NM_006726.5); short protein forms G30A.
Identifiers: ClinVar variation 650495 (VCV000650495.9), dbSNP rs754377116, ClinGen allele CA3103972.